The following is an entry in ClinVar:

NM_021240.4(DMRT3):c.466del (p.Glu156fs)

Gene: DMRT3 (doublesex and mab-3 related transcription factor 3; plus strand). Cytogenetic location: 9p24.3.
Variant type: Deletion.
Coding change: c.466del on transcript NM_021240.4 (MANE Select); coding-DNA position 466, one base deleted (G; older notation c.466delG).
Protein change: p.Glu156fs; shifts the reading frame from glutamic acid 156.
Molecular consequence: frameshift variant.
Genome position (GRCh38, 1-based): chr9:990,052, G deleted. VCF-style (leftmost placement, unchanged base first): chr9-990051-AG-A. GRCh37 (hg19) VCF-style: chr9-990051-AG-A.
Other names: short protein forms E156fs.
Identifiers: ClinVar variation 4879245 (VCV004879245.1).

ClinVar aggregate classification (germline): Uncertain significance (1 of 4 stars; one submission).

Submission:

Clinical Genomics Laboratory, Washington University in St. Louis
Classification: Uncertain significance. Last evaluated: 2026-02-28. Review status: criteria provided, single submitter. Criteria: ACMG Guidelines, 2015. Collection method: clinical testing. Allele origin: germline.
Comment: The DMRT3 c.466del (p.Glu156Asnfs*42) variant, to our knowledge, has not been reported in the medical literature. This variant is absent from the general population (gnomAD v2.1.1), indicating it is not a common variant. This variant causes a frameshift by deleting one nucleotide, leading to a premature termination codon; however, because this occurs in the last exon, this is not predicted to lead to nonsense mediated decay. Due to limited information, the clinical significance of this variant is uncertain.